The following is an entry in ClinVar:

NM_173628.4(DNAH17):c.2830C>T (p.Arg944Trp)

Gene: DNAH17 (dynein axonemal heavy chain 17; minus strand). Cytogenetic location: 17q25.3.
Variant type: single nucleotide variant.
Coding change: c.2830C>T on transcript NM_173628.4 (MANE Select); coding-DNA position 2830, C replaced by T.
Protein change: p.Arg944Trp; replaces arginine 944 with tryptophan.
Molecular consequence: missense variant.
Genome position (GRCh38, 1-based): chr17:78,537,328, G>A on the plus strand (C>T on the coding strand, the complement: DNAH17 is on the minus strand). VCF-style: chr17-78537328-G-A. GRCh37 (hg19) VCF-style: chr17-76533410-G-A.
Other names: c.2830C>T (NM_173628.3); short protein forms R944W.
Identifiers: ClinVar variation 3387949 (VCV003387949.15).

ClinVar aggregate classification (germline): Likely benign. Review status: criteria provided, multiple submitters, no conflicts (2 of 4 stars). 2 submissions from 2 submitters: Likely benign (2). Last evaluated 2026-02-01.

Conditions:
DNAH17-related disorder. Also called: DNAH17-related condition.

gnomAD v4.1: 2,600 of 1,589,100 alleles (0.16%); highest among the groups gnomAD compares: Non-Finnish European, 0.19%; 6 homozygotes.

Submissions (2):

CeGaT Center for Human Genetics Tuebingen
Classification: Likely benign. Last evaluated: 2026-02-01. Review status: criteria provided, single submitter. Criteria: CeGaT Center For Human Genetics Tuebingen Variant Classification Criteria Version 2. Collection method: clinical testing. Allele origin: germline. Affected: yes. Observed: 2 variant alleles.
Comment: DNAH17: BP4

PreventionGenetics, part of Exact Sciences
Classification: Likely benign for DNAH17-related condition. Last evaluated: 2024-11-26. Review status: criteria provided, single submitter. Criteria: ACMG Guidelines, 2015. Collection method: clinical testing. Allele origin: germline.
Comment: This variant is classified as likely benign based on ACMG/AMP sequence variant interpretation guidelines (Richards et al. 2015 PMID: 25741868, with internal and published modifications).